The following is an entry in ClinVar:

NM_001032283.3(TMPO):c.565+2474A>C

Gene: TMPO (thymopoietin; plus strand). Cytogenetic location: 12q23.1.
Variant type: single nucleotide variant.
Coding change: c.565+2474A>C on transcript NM_001032283.3 (MANE Select); 2474 bases into the intron after coding-DNA position 565, A replaced by C.
Molecular consequence: intron variant. On other transcripts: missense variant (1).
Genome position (GRCh38, 1-based): chr12:98,534,312, A>C. VCF-style: chr12-98534312-A-C. GRCh37 (hg19) VCF-style: chr12-98928090-A-C.
Other names: c.2055A>C, p.Lys685Asn (NM_003276.2); c.565+2474A>C (NM_001307975.2, NM_001032284.3); short protein forms K685N.
Identifiers: ClinVar variation 1467669 (VCV001467669.8), dbSNP rs2121211551, ClinGen allele CA386154513.

ClinVar aggregate classification (germline): Uncertain significance (1 of 4 stars; one submission).

Conditions:
Loeys-Dietz syndrome 2 (LDS2). Also called: MARFAN SYNDROME, TYPE II; AORTIC ANEURYSM, FAMILIAL THORACIC 3; Marfan syndrome, type 2 (formerly); TGFBR2-Related Loeys-Dietz Syndrome; Marfan Syndrome type 2; Marfan like connective tissue disorder. Identifiers: Orphanet 284973, Orphanet 558, MedGen C2674574, MONDO:0012427, OMIM 610168.

Submission:

Labcorp Genetics (formerly Invitae), Labcorp
Classification: Uncertain significance for Loeys-Dietz syndrome 2. Last evaluated: 2024-01-08. Review status: criteria provided, single submitter. Criteria: Invitae Variant Classification Sherloc (09022015). Collection method: clinical testing. Allele origin: germline.
Comment: This sequence change replaces lysine, which is basic and polar, with asparagine, which is neutral and polar, at codon 685 of the TMPO protein (p.Lys685Asn). This variant is not present in population databases (gnomAD no frequency). This variant has not been reported in the literature in individuals affected with TMPO-related conditions. ClinVar contains an entry for this variant (Variation ID: 1467669). Advanced modeling of protein sequence and biophysical properties (such as structural, functional, and spatial information, amino acid conservation, physicochemical variation, residue mobility, and thermodynamic stability) performed at Invitae indicates that this missense variant is not expected to disrupt TMPO protein function with a negative predictive value of 80%. In summary, the available evidence is currently insufficient to determine the role of this variant in disease. Therefore, it has been classified as a Variant of Uncertain Significance.